The following is an entry in ClinVar:

NM_025243.4(SLC19A3):c.74dup (p.Ser26fs)

Gene: SLC19A3 (solute carrier family 19 member 3; minus strand). Cytogenetic location: 2q36.3.
Variant type: Duplication.
Coding change: c.74dup on transcript NM_025243.4 (MANE Select); coding-DNA position 74, one base duplicated (T; older notation c.74dupT).
Protein change: p.Ser26fs; shifts the reading frame from serine 26.
Molecular consequence: frameshift variant.
Genome position (GRCh38, 1-based): chr2:227,702,245, A duplicated on the plus strand (T on the coding strand, the reverse complement: SLC19A3 is on the minus strand); the first of 6 consecutive A bases (chr2:227,702,245-227,702,250); duplicating any one gives the same sequence. VCF-style (leftmost placement, unchanged base first): chr2-227702244-G-GA. GRCh37 (hg19) VCF-style: chr2-228566960-G-GA.
Other names: c.74dupT (NM_025243.3); short protein forms S26fs.
Identifiers: ClinVar variation 190224 (VCV000190224.22), dbSNP rs786205213, ClinGen allele CA274763.

ClinVar aggregate classification (germline): Pathogenic. Review status: criteria provided, multiple submitters, no conflicts (2 of 4 stars). 6 submissions from 6 submitters: Pathogenic (4). 2 of the submissions do not count toward it. Last evaluated 2025-12-28.

Conditions:
Biotin-responsive basal ganglia disease (BTBGD). Also called: Thiamine metabolism dysfunction syndrome 2 (biotin- or thiamine-responsive encephalopathy type 2); thiamine-responsive encephalopathy; THIAMINE METABOLISM DYSFUNCTION SYNDROME 2 (BIOTIN- AND THIAMINE-RESPONSIVE TYPE); Thiamine metabolism dysfunction syndrome type 2; Thiamine Transporter-2 Deficiency. Identifiers: Orphanet 199348, Orphanet 65284, MedGen C1843807, MONDO:0011841, OMIM 607483.

Submissions (6):

GeneDx
Classification: Pathogenic. Last evaluated: 2025-12-28. Review status: criteria provided, single submitter. Criteria: GeneDx Variant Classification Process June 2021. Collection method: clinical testing. Allele origin: germline. Affected: yes.
Comment: Frameshift variant predicted to result in protein truncation or nonsense mediated decay in a gene for which loss of function is a known mechanism of disease; Not observed at significant frequency in large population cohorts (gnomAD); This variant is associated with the following publications: (PMID: 26975589, 23469184, 27621386, 27290639, 27896110, 31589614, 31216405, 34631424, 20065143, 24957181, 34789446, 37628588, 38465286)

Labcorp Genetics (formerly Invitae), Labcorp
Classification: Pathogenic for Biotin-responsive basal ganglia disease. Last evaluated: 2025-12-23. Review status: criteria provided, single submitter. Criteria: Invitae Variant Classification Sherloc (09022015). Collection method: clinical testing. Allele origin: germline.
Comment: This sequence change creates a premature translational stop signal (p.Ser26Leufs*19) in the SLC19A3 gene. It is expected to result in an absent or disrupted protein product. Loss-of-function variants in SLC19A3 are known to be pathogenic (PMID: 23423671, 23482991). This variant is present in population databases (rs786205213, gnomAD 0.002%). This premature translational stop signal has been observed in individuals with autosomal recessive biotin-responsive basal ganglia disease (PMID: 20065143, 27896110). It has also been observed to segregate with disease in related individuals. ClinVar contains an entry for this variant (Variation ID: 190224). For these reasons, this variant has been classified as Pathogenic.

Dasa
Classification: Pathogenic. Last evaluated: 2024-10-07. Review status: criteria provided, single submitter. Criteria: DASA Assertion Criteria. Collection method: clinical testing. Allele origin: germline.
Comment: NM_025243.4(SLC19A3):c.74dup (p.Ser26Leufs*19) introduces a premature termination codon predicted to result in loss of normal protein function. Loss-of-function is an established mechanism of disease for this gene. The variant is present at low frequency in population datasets. Based on the available data, this variant is classified as pathogenic.

Fulgent Genetics
Classification: Pathogenic for Biotin-responsive basal ganglia disease. Last evaluated: 2024-02-21. Review status: criteria provided, single submitter. Criteria: ACMG Guidelines, 2015. Collection method: clinical testing. Allele origin: germline.

Mendelics
Classification: Pathogenic for Basal ganglia disease, biotin-responsive. Last evaluated: 2014-12-23. Review status: no assertion criteria provided. Collection method: clinical testing. Allele origin: germline. Affected: yes. Not counted in ClinVar's aggregate classification.

OMIM
Classification: Pathogenic for BIOTIN-THIAMINE-RESPONSIVE BASAL GANGLIA DISEASE. Last evaluated: 2010-01-01. Review status: no assertion criteria provided. Collection method: literature only. Allele origin: germline. Not counted in ClinVar's aggregate classification.

Literature cited by the submitters: PubMed 23423671 (cited by Labcorp Genetics (formerly Invitae), Labcorp); PubMed 23482991 (cited by Labcorp Genetics (formerly Invitae), Labcorp); PubMed 20065143 (cited by 3 submitters); PubMed 27896110 (cited by Labcorp Genetics (formerly Invitae), Labcorp).